The following is an entry in ClinVar:

ClinVar aggregate classification (germline): Pathogenic (1 of 4 stars; one submission).

Allele frequency attached by ClinVar (database versions not stated): gnomAD exomes below 0.00001.
gnomAD v4.1: 1 of 1,599,930 alleles (0.000063%); highest among the groups gnomAD compares: Non-Finnish European, 0.000085%; no homozygotes.

Submission:

Labcorp Genetics (formerly Invitae), Labcorp
Classification: Pathogenic. Last evaluated: 2022-10-04. Review status: criteria provided, single submitter. Criteria: Invitae Variant Classification Sherloc (09022015). Collection method: clinical testing. Allele origin: germline.
Comment: For these reasons, this variant has been classified as Pathogenic. Algorithms developed to predict the effect of sequence changes on RNA splicing suggest that this variant may disrupt the consensus splice site. Disruption of this splice site has been observed in individual(s) with Usher syndrome (PMID: 32188678). This variant is not present in population databases (gnomAD no frequency). This sequence change affects a donor splice site in intron 58 of the USH2A gene. It is expected to disrupt RNA splicing. Variants that disrupt the donor or acceptor splice site typically lead to a loss of protein function (PMID: 16199547), and loss-of-function variants in USH2A are known to be pathogenic (PMID: 10729113, 10909849, 20507924, 25649381).

Literature cited by the submitters: PubMed 32188678; PubMed 16199547; PubMed 10729113; PubMed 10909849; PubMed 20507924; PubMed 25649381.

NM_206933.4(USH2A):c.11389+2T>G

Gene: USH2A (usherin; minus strand). Cytogenetic location: 1q41.
Variant type: single nucleotide variant.
Coding change: c.11389+2T>G on transcript NM_206933.4 (MANE Select); the canonical splice donor site of the intron after coding-DNA position 11389, T replaced by G.
Molecular consequence: splice donor variant.
Genome position (GRCh38, 1-based): chr1:215,758,593, A>C on the plus strand (T>G on the coding strand, the complement: USH2A is on the minus strand). VCF-style: chr1-215758593-A-C. GRCh37 (hg19) VCF-style: chr1-215931935-A-C.
Identifiers: ClinVar variation 2019372 (VCV002019372.4), dbSNP rs1192810508, ClinGen allele CA344820420.